The following is an entry in ClinVar:

NM_033641.4(COL4A6):c.2280G>A (p.Pro760=)

Gene: COL4A6 (collagen type IV alpha 6 chain; minus strand). Cytogenetic location: Xq22.3.
Variant type: single nucleotide variant.
Coding change: c.2280G>A on transcript NM_033641.4 (MANE Select); coding-DNA position 2280, G replaced by A.
Protein change: p.Pro760=; no amino-acid change (proline 760 retained).
Molecular consequence: synonymous variant.
Genome position (GRCh38, 1-based): chrX:108,179,290, C>T on the plus strand (G>A on the coding strand, the complement: COL4A6 is on the minus strand). VCF-style: chrX-108179290-C-T. GRCh37 (hg19) VCF-style: chrX-107422520-C-T.
Other names: c.2331G>A, p.Pro777= (NM_001287758.2); c.2280G>A, p.Pro760= (NM_001287759.2, NM_001287760.2, NM_001440760.1); c.2283G>A, p.Pro761= (NM_001440759.1, NM_001847.4); c.2283G>A (NM_001847.3).
Identifiers: ClinVar variation 4737616 (VCV004737616.2).

ClinVar aggregate classification (germline): Likely benign. Review status: criteria provided, multiple submitters, no conflicts (2 of 4 stars). 2 submissions from 2 submitters: Likely benign (2). Last evaluated 2025-12-10.

Conditions:
COL4A6-related disorder. Also called: COL4A6-related condition.

gnomAD v4.1: 45 of 1,209,404 alleles (0.0037%); highest among the groups gnomAD compares: African/African-American, 0.0088%; no homozygotes.

Submissions (2):

PreventionGenetics, part of Exact Sciences
Classification: Likely benign for COL4A6-related condition. Last evaluated: 2025-12-10. Review status: criteria provided, single submitter. Criteria: ACMG Guidelines, 2015. Collection method: clinical testing. Allele origin: germline.
Comment: This variant is classified as likely benign based on ACMG/AMP sequence variant interpretation guidelines (Richards et al. 2015 PMID: 25741868, with internal and published modifications).

Labcorp Genetics (formerly Invitae), Labcorp
Classification: Likely benign. Last evaluated: 2025-07-30. Review status: criteria provided, single submitter. Criteria: Invitae Variant Classification Sherloc (09022015). Collection method: clinical testing. Allele origin: germline.